The following is an entry in ClinVar:

NM_173467.5(MCAT):c.511+76A>G

Gene: MCAT (malonyl-CoA-acyl carrier protein transacylase; minus strand). Cytogenetic location: 22q13.2.
Variant type: single nucleotide variant.
Coding change: c.511+76A>G on transcript NM_173467.5 (MANE Select); 76 bases into the intron after coding-DNA position 511, A replaced by G.
Molecular consequence: intron variant.
Genome position (GRCh38, 1-based): chr22:43,141,086, T>C on the plus strand (A>G on the coding strand, the complement: MCAT is on the minus strand). VCF-style: chr22-43141086-T-C. GRCh37 (hg19) VCF-style: chr22-43537092-T-C.
Other names: c.511+76A>G (NM_014507.3).
Identifiers: ClinVar variation 2653263 (VCV002653263.24), dbSNP rs115712685, ClinGen allele CA10272571.
Genomic context (GRCh38, chr22:43,141,086, plus strand): 5'-CATGTGCCAATGTCACCCCTGTCCATGTGCTCCCTTCCCATCACCTGAGTGGGTCCAGTA[T>C]CATTTTTGGCAGTGTCCCTTACCCCTAATGAGCCCAAGACCACAGCCTTGCATAAAACCA-3'

ClinVar aggregate classification (germline): Benign (1 of 4 stars; one submission).

Allele frequency attached by ClinVar (database versions not stated): gnomAD exomes 0.00037; ExAC 0.00117; 1000 Genomes Project 30x 0.00328; gnomAD 0.00336; 1000 Genomes Project 0.00359; TOPMed 0.00363.
gnomAD v4.1: 904 of 1,169,008 alleles (0.077%); highest among the groups gnomAD compares: African/African-American, 1.2%; 12 homozygotes.

Submission:

CeGaT Center for Human Genetics Tuebingen
Classification: Benign. Last evaluated: 2023-05-01. Review status: criteria provided, single submitter. Criteria: CeGaT Center For Human Genetics Tuebingen Variant Classification Criteria Version 2. Collection method: clinical testing. Allele origin: germline. Affected: yes. Observed: 1 variant allele.
Comment: MCAT: BS1, BS2